The following is an entry in ClinVar:

NM_001672.3(ASIP):c.223-4G>A

Genes: AHCY (adenosylhomocysteinase; minus strand), ASIP (agouti signaling protein; plus strand). Cytogenetic location: 20q11.22.
Variant type: single nucleotide variant.
Coding change: c.223-4G>A on transcript NM_001672.3 (MANE Select); 4 bases into the intron before coding-DNA position 223, G replaced by A.
Molecular consequence: intron variant.
Genome position (GRCh38, 1-based): chr20:34,268,987, G>A. VCF-style: chr20-34268987-G-A. GRCh37 (hg19) VCF-style: chr20-32856793-G-A.
Other names: c.223-4G>A (NM_001385218.1).
Identifiers: ClinVar variation 3352471 (VCV003352471.1).

ClinVar aggregate classification (germline): Likely benign (0 of 4 stars; one submission).

Conditions:
ASIP-related condition.

gnomAD v4.1: 15 of 1,600,484 alleles (0.00094%); highest among the groups gnomAD compares: Admixed American, 0.017%; no homozygotes.

Submission:

PreventionGenetics, part of Exact Sciences
Classification: Likely benign for ASIP-related condition. Last evaluated: 2024-09-04. Review status: no assertion criteria provided. Collection method: clinical testing. Allele origin: germline.
Comment: This variant is classified as likely benign based on ACMG/AMP sequence variant interpretation guidelines (Richards et al. 2015 PMID: 25741868, with internal and published modifications).